The following is an entry in ClinVar:

NC_000015.10:g.51681311_51791472dup

Genes: LYSMD2 (LysM domain containing 2; minus strand), SCG3 (secretogranin III; plus strand), TMOD2 (tropomodulin 2; plus strand), LOC130057055 (ATAC-STARR-seq lymphoblastoid active region 9405; plus strand), LOC130057056 (ATAC-STARR-seq lymphoblastoid active region 9406; plus strand) and 10 more. Cytogenetic location: 15q21.2.
Variant type: Duplication.
Identifiers: ClinVar variation 1342357 (VCV001342357.1).

ClinVar aggregate classification (germline): Uncertain significance (1 of 4 stars; one submission).

Conditions:
Developmental and epileptic encephalopathy, 13 (DEE13). Also called: Developmental and Epileptic Encephalopathy (SCN8A-DEE); Early infantile epileptic encephalopathy 13; SCN8A-Related Epilepsy. Identifiers: Orphanet 442835, MedGen C3281191, MONDO:0013801, OMIM 614558.

Submission:

New York Genome Center
Classification: Uncertain significance for Developmental and epileptic encephalopathy, 13. Last evaluated: 2021-03-05. Review status: criteria provided, single submitter. Criteria: NYGC Assertion Criteria 2020. Collection method: clinical testing. Allele origin: inherited. Observed: 1 heterozygote. Study: CSER-NYCKidSeq.
Comment: This inherited 110.1kb duplication results in duplication of the exon 3 to exon 25 of the SCN8A gene. This duplication has not been reported in the literature in the patient with SCN8A-related disorders. The duplication is not present in gnomAD v2.1 or in DGV database, indicating it is a rare duplication. ClinGen Dosage Sensitivity curation indicates that the SCN8A gene has no evidence for dosage pathogenicity for haploinsufficiency (score is zero) or for triplosensitivity (score iszero). There are no additional protein coding genes located within this duplication. Based on the available evidence, the inherited 110.1kb duplication is classified as a Variant of Uncertain Significance.